The following is an entry in ClinVar:

NM_001267550.2(TTN):c.69393C>G (p.Val23131=)

Genes: TTN (titin; minus strand), TTN-AS1 (TTN antisense RNA 1; plus strand). Cytogenetic location: 2q31.2.
Variant type: single nucleotide variant.
Coding change: c.69393C>G on transcript NM_001267550.2 (MANE Select); coding-DNA position 69393, C replaced by G.
Protein change: p.Val23131=; no amino-acid change (valine 23131 retained).
Molecular consequence: synonymous variant.
Genome position (GRCh38, 1-based): chr2:178,576,942, G>C on the plus strand (C>G on the coding strand, the complement: TTN is on the minus strand). VCF-style: chr2-178576942-G-C. GRCh37 (hg19) VCF-style: chr2-179441669-G-C.
Other names: c.61689C>G, p.Val20563= (NM_133378.4); c.64470C>G, p.Val21490= (NM_001256850.1); c.42198C>G, p.Val14066= (NM_003319.4); c.42573C>G, p.Val14191= (NM_133432.3); c.42774C>G, p.Val14258= (NM_133437.4).
Identifiers: ClinVar variation 179182 (VCV000179182.14), dbSNP rs727504692, ClinGen allele CA183893.

ClinVar aggregate classification (germline): Likely benign. Review status: criteria provided, multiple submitters, no conflicts (2 of 4 stars). 3 submissions from 3 submitters: Likely benign (3). Last evaluated 2025-02-15.

Conditions:
Dilated cardiomyopathy 1G (CMD1G). Identifiers: Orphanet 154, MedGen C1858763, MONDO:0011400, OMIM 604145.
Autosomal recessive limb-girdle muscular dystrophy type 2J (LGMDR10). Also called: Limb-girdle muscular dystrophy, type 2J; MUSCULAR DYSTROPHY, LIMB-GIRDLE, AUTOSOMAL RECESSIVE 10. Identifiers: Orphanet 140922, MedGen C1837342, MONDO:0012127, OMIM 608807.
Cardiovascular phenotype. Identifiers: MedGen CN230736.

Submissions (3):

Ambry Genetics
Classification: Likely benign for Cardiovascular phenotype. Last evaluated: 2025-02-15. Review status: criteria provided, single submitter. Criteria: Ambry Variant Classification Scheme 2023. Collection method: clinical testing. Allele origin: germline.

Labcorp Genetics (formerly Invitae), Labcorp
Classification: Likely benign for Dilated cardiomyopathy 1G; Autosomal recessive limb-girdle muscular dystrophy type 2J. Last evaluated: 2023-04-07. Review status: criteria provided, single submitter. Criteria: Invitae Variant Classification Sherloc (09022015). Collection method: clinical testing. Allele origin: germline.

Laboratory for Molecular Medicine, Mass General Brigham Personalized Medicine
Classification: Likely benign. Last evaluated: 2013-08-23. Review status: criteria provided, single submitter. Criteria: LMM Criteria. Collection method: clinical testing. Allele origin: germline. Observed: 1 variant allele.
Comment: Val20563Val in exon 273 of TTN: This variant is not expected to have clinical si gnificance because it does not alter an amino acid residue and is not located wi thin the splice consensus sequence. Val20563Val in exon 307 of TTN (allele freq uency = n/a)